The following is an entry in ClinVar:

NM_001666.5(ARHGAP4):c.1734C>T (p.Ala578=)

Gene: ARHGAP4 (Rho GTPase activating protein 4; minus strand). Cytogenetic location: Xq28.
Variant type: single nucleotide variant.
Coding change: c.1734C>T on transcript NM_001666.5 (MANE Select); coding-DNA position 1734, C replaced by T.
Protein change: p.Ala578=; no amino-acid change (alanine 578 retained).
Molecular consequence: synonymous variant.
Genome position (GRCh38, 1-based): chrX:153,910,782, G>A on the plus strand (C>T on the coding strand, the complement: ARHGAP4 is on the minus strand). VCF-style: chrX-153910782-G-A. GRCh37 (hg19) VCF-style: chrX-153176236-G-A.
Other names: c.1854C>T, p.Ala618= (NM_001164741.2).
Identifiers: ClinVar variation 2661754 (VCV002661754.24), dbSNP rs782105302, ClinGen allele CA10555608.

ClinVar aggregate classification (germline): Likely benign (1 of 4 stars; one submission).

Allele frequency attached by ClinVar (database versions not stated): gnomAD exomes 0.00001; gnomAD 0.00003; TOPMed 0.00004.
gnomAD v4.1: 14 of 1,190,765 alleles (0.0012%); highest among the groups gnomAD compares: East Asian, 0.0091%; no homozygotes.

Submission:

CeGaT Center for Human Genetics Tuebingen
Classification: Likely benign. Last evaluated: 2022-03-01. Review status: criteria provided, single submitter. Criteria: CeGaT Center For Human Genetics Tuebingen Variant Classification Criteria Version 2. Collection method: clinical testing. Allele origin: germline. Affected: yes. Observed: 1 variant allele.
Comment: ARHGAP4: BP4, BP7